The following is an entry in ClinVar:

NM_024592.5(SRD5A3):c.869T>C (p.Leu290Pro)

Genes: SRD5A3 (steroid 5 alpha-reductase 3; plus strand), SRD5A3-AS1 (SRD5A3 antisense RNA 1; minus strand). Cytogenetic location: 4q12.
Variant type: single nucleotide variant.
Coding change: c.869T>C on transcript NM_024592.5 (MANE Select); coding-DNA position 869, T replaced by C.
Protein change: p.Leu290Pro; replaces leucine 290 with proline.
Molecular consequence: missense variant.
Genome position (GRCh38, 1-based): chr4:55,370,003, T>C. VCF-style: chr4-55370003-T-C. GRCh37 (hg19) VCF-style: chr4-56236170-T-C.
Other names: short protein forms L290P.
Identifiers: ClinVar variation 1312107 (VCV001312107.4), dbSNP rs2109489105, ClinGen allele CA356958391.
Genomic context (GRCh38, chr4:55,370,003, plus strand): 5'-TTGGGTTCCACAACTTAACTTGGTGGCTAGTGGTGACAAATGTCTTCTTTAATCAGGCCC[T>C]GTCTGCCTTTCTCAGCCACCAATTCTACAAAAGCAAATTTGTCTCTTACCCGAAGCATAG-3'
Protein context (NP_078868.1, residues 280-300): VVTNVFFNQA[Leu290Pro]SAFLSHQFYK

ClinVar aggregate classification (germline): Conflicting classifications of pathogenicity. Review status: criteria provided, conflicting classifications (1 of 4 stars). 2 submissions from 2 submitters: Likely pathogenic (1); Uncertain significance (1). Last evaluated 2024-10-08.

Conditions:
SRD5A3-congenital disorder of glycosylation. Also called: Congenital disorder of glycosylation type 1Q; SRD5A3-CDG; COLOBOMA, OCULAR, WITH ICHTHYOSIS, BRAIN MALFORMATIONS, AND ENDOCRINE ABNORMALITIES; CDG Iq; Ocular colobomas, ichthyosis, brain malformations and endocrine abnormalities. Identifiers: Orphanet 324737, MedGen C4317224, MONDO:0012885, OMIM 612379.

Submissions (2):

Victorian Clinical Genetics Services, Murdoch Childrens Research Institute
Classification: Likely pathogenic for SRD5A3-congenital disorder of glycosylation. Last evaluated: 2024-10-08. Review status: criteria provided, single submitter. Criteria: ACMG Guidelines, 2015. Collection method: clinical testing. Allele origin: germline. Inheritance: Autosomal recessive inheritance. Affected: yes.
Comment: Based on the classification scheme VCGS_Germline_v1.3.4, this variant is classified as Likely pathogenic. Following criteria are met: 0102 - Loss of function is a known mechanism of disease in this gene and is associated with type Iq congenital disorder of glycosylation (MIM#612379) and Kahrizi syndrome (MIM#612713). (I) 0106 - This gene is associated with autosomal recessive disease. (I) 0200 - Variant is predicted to result in a missense amino acid change from leucine to proline. (I) 0252 - This variant is homozygous. (I) 0301 - Variant is absent from gnomAD (both v2 and v3). (SP) 0502 - Missense variant with conflicting in silico predictions and high conservation. (I) 0600 - Variant is located in the annotated steroid_dh domain (DECIPHER). (I) 0705 - No comparable missense variants have previous evidence for pathogenicity. (I) 0809 - Previous evidence of pathogenicity for this variant is inconclusive. This variant has previously been reported as VUS in ClinVar. (I) 0905 - No published segregation evidence has been identified for this variant. (I) 1007 - No published functional evidence has been identified for this variant. (I) 1101 - Very strong and specific phenotype match for this individual. (I) Legend: (SP) - Supporting pathogenic, (I) - Information, (SB) - Supporting benign

GeneDx
Classification: Uncertain significance. Last evaluated: 2019-09-09. Review status: criteria provided, single submitter. Criteria: GeneDx Variant Classification Process June 2021. Collection method: clinical testing. Allele origin: germline. Affected: yes.
Comment: Has not been previously published as pathogenic or benign to our knowledge; Not observed in large population cohorts (Lek et al., 2016); In silico analysis, which includes protein predictors and evolutionary conservation, supports a deleterious effect